The following is an entry in ClinVar:

NM_003052.5(SLC34A1):c.55C>T (p.Arg19Cys)

Gene: SLC34A1 (solute carrier family 34 member 1; plus strand). Cytogenetic location: 5q35.3.
Variant type: single nucleotide variant.
Coding change: c.55C>T on transcript NM_003052.5 (MANE Select); coding-DNA position 55, C replaced by T.
Protein change: p.Arg19Cys; replaces arginine 19 with cysteine.
Molecular consequence: missense variant.
Genome position (GRCh38, 1-based): chr5:177,385,796, C>T. VCF-style: chr5-177385796-C-T. GRCh37 (hg19) VCF-style: chr5-176812797-C-T.
Other names: c.55C>T, p.Arg19Cys (NM_001167579.2); c.55C>T (NM_003052.4); short protein forms R19C.
Identifiers: ClinVar variation 1505542 (VCV001505542.6), dbSNP rs1457641719, ClinGen allele CA362362285.

ClinVar aggregate classification (germline): Uncertain significance. Review status: criteria provided, multiple submitters, no conflicts (2 of 4 stars). 2 submissions from 2 submitters: Uncertain significance (2). Last evaluated 2024-06-13.

Conditions:
Inborn genetic diseases. Identifiers: MedGen C0950123, MeSH D030342.

Allele frequency attached by ClinVar (database versions not stated): gnomAD 0.00001; gnomAD exomes 0.00001; 1000 Genomes Project 30x 0.00016.
gnomAD v4.1: 17 of 1,613,316 alleles (0.0011%); highest among the groups gnomAD compares: South Asian, 0.0022%; no homozygotes.

Submissions (2):

Ambry Genetics
Classification: Uncertain significance for Inborn genetic diseases. Last evaluated: 2024-06-13. Review status: criteria provided, single submitter. Criteria: Ambry Variant Classification Scheme 2023. Collection method: clinical testing. Allele origin: germline.

Labcorp Genetics (formerly Invitae), Labcorp
Classification: Uncertain significance. Last evaluated: 2021-08-14. Review status: criteria provided, single submitter. Criteria: Invitae Variant Classification Sherloc (09022015). Collection method: clinical testing. Allele origin: germline.
Comment: This sequence change replaces arginine with cysteine at codon 19 of the SLC34A1 protein (p.Arg19Cys). The arginine residue is moderately conserved and there is a large physicochemical difference between arginine and cysteine. This variant is not present in population databases (ExAC no frequency). This variant has not been reported in the literature in individuals affected with SLC34A1-related conditions. Algorithms developed to predict the effect of missense changes on protein structure and function output the following: SIFT: "Deleterious"; PolyPhen-2: "Benign"; Align-GVGD: "Class C0". The cysteine amino acid residue is found in multiple mammalian species, which suggests that this missense change does not adversely affect protein function. In summary, the available evidence is currently insufficient to determine the role of this variant in disease. Therefore, it has been classified as a Variant of Uncertain Significance.